The following is an entry in ClinVar:

ClinVar aggregate classification (germline): Uncertain significance. Review status: criteria provided, multiple submitters, no conflicts (2 of 4 stars). 3 submissions from 3 submitters: Uncertain significance (3). Last evaluated 2024-11-13.

Allele frequency attached by ClinVar (database versions not stated): 1000 Genomes Project 30x 0.00016; 1000 Genomes Project 0.00020; ESP Exome Variant Server 0.00023; ExAC 0.00036; gnomAD exomes 0.00040 and 0.00096; gnomAD 0.00046 and 0.00048; TOPMed 0.00053.
gnomAD v4.1: 1,461 of 1,614,206 alleles (0.091%); highest among the groups gnomAD compares: Non-Finnish European, 0.12%; 1 homozygote.

Submissions (3):

Blueprint Genetics
Classification: Uncertain significance. Last evaluated: 2024-11-13. Review status: criteria provided, single submitter. Criteria: ACMG Guidelines, 2015. Collection method: clinical testing. Allele origin: germline.

Ambry Genetics
Classification: Uncertain significance. Last evaluated: 2024-01-09. Review status: criteria provided, single submitter. Criteria: Ambry Variant Classification Scheme 2023. Collection method: clinical testing. Allele origin: germline.

Labcorp Genetics (formerly Invitae), Labcorp
Classification: Uncertain significance. Last evaluated: 2022-10-05. Review status: criteria provided, single submitter. Criteria: Invitae Variant Classification Sherloc (09022015). Collection method: clinical testing. Allele origin: germline.
Comment: This sequence change replaces arginine, which is basic and polar, with glutamine, which is neutral and polar, at codon 916 of the RUSC2 protein (p.Arg916Gln). This variant is present in population databases (rs145598491, gnomAD 0.07%). This variant has not been reported in the literature in individuals affected with RUSC2-related conditions. ClinVar contains an entry for this variant (Variation ID: 1436449). Algorithms developed to predict the effect of missense changes on protein structure and function are either unavailable or do not agree on the potential impact of this missense change (SIFT: "Tolerated"; PolyPhen-2: "Probably Damaging"; Align-GVGD: "Class C0"). Algorithms developed to predict the effect of sequence changes on RNA splicing suggest that this variant may disrupt the consensus splice site. In summary, the available evidence is currently insufficient to determine the role of this variant in disease. Therefore, it has been classified as a Variant of Uncertain Significance.

NM_014806.5(RUSC2):c.2747G>A (p.Arg916Gln)

Gene: RUSC2 (RUN and SH3 domain containing 2; plus strand). Cytogenetic location: 9p13.3.
Variant type: single nucleotide variant.
Coding change: c.2747G>A on transcript NM_014806.5 (MANE Select); coding-DNA position 2747, G replaced by A.
Protein change: p.Arg916Gln; replaces arginine 916 with glutamine.
Molecular consequence: missense variant. On other transcripts: non-coding transcript variant (1).
Genome position (GRCh38, 1-based): chr9:35,556,042, G>A. VCF-style: chr9-35556042-G-A. GRCh37 (hg19) VCF-style: chr9-35556039-G-A.
Other names: c.2747G>A, p.Arg916Gln (NM_001135999.2); c.113G>A, p.Arg38Gln (NM_001330740.2); c.2747G>A (NM_001135999.1); short protein forms R916Q, R38Q.
Identifiers: ClinVar variation 1436449 (VCV001436449.5), dbSNP rs145598491, ClinGen allele CA5043949.